The following is an entry in ClinVar:

NM_020533.3(MCOLN1):c.920del (p.Leu307fs)

Gene: MCOLN1 (mucolipin TRP cation channel 1; plus strand). Cytogenetic location: 19p13.2.
Variant type: Deletion.
Coding change: c.920del on transcript NM_020533.3 (MANE Select); coding-DNA position 920, one base deleted (T; older notation c.920delT).
Protein change: p.Leu307fs; shifts the reading frame from leucine 307.
Molecular consequence: frameshift variant.
Genome position (GRCh38, 1-based): chr19:7,528,639, T deleted. VCF-style (leftmost placement, unchanged base first): chr19-7528638-CT-C. GRCh37 (hg19) VCF-style: chr19-7593524-CT-C.
Other names: c.920del (NM_020533.2); short protein forms L307fs.
Identifiers: ClinVar variation 208039 (VCV000208039.24), dbSNP rs755042147, ClinGen allele CA347434.

ClinVar aggregate classification (germline): Pathogenic/Likely pathogenic. Review status: criteria provided, multiple submitters, no conflicts (2 of 4 stars). 8 submissions from 8 submitters: Pathogenic (6); Likely pathogenic (1). 1 of the submissions does not count toward it. Last evaluated 2025-10-02.

Conditions:
MCOLN1-related disorders.
Inborn genetic diseases. Identifiers: MedGen C0950123, MeSH D030342.
Mucolipidosis type IV (ML4). Also called: ML IV. Identifiers: Orphanet 578, MedGen C0238286, MONDO:0009653, OMIM 252650.
Lisch epithelial corneal dystrophy (LECD). Also called: BAND-SHAPED AND WHORLED MICROCYSTIC CORNEAL EPITHELIAL DYSTROPHY. Identifiers: Orphanet 98955, MedGen C2749050, MONDO:0010425, OMIM 620763.

Allele frequency attached by ClinVar (database versions not stated): gnomAD exomes 0.00001; ExAC 0.00002; TOPMed 0.00002; gnomAD 0.00003.

Submissions (8):

Labcorp Genetics (formerly Invitae), Labcorp
Classification: Pathogenic for Mucolipidosis type IV. Last evaluated: 2025-10-02. Review status: criteria provided, single submitter. Criteria: Invitae Variant Classification Sherloc (09022015). Collection method: clinical testing. Allele origin: germline.
Comment: This sequence change creates a premature translational stop signal (p.Leu307Profs*65) in the MCOLN1 gene. It is expected to result in an absent or disrupted protein product. Loss-of-function variants in MCOLN1 are known to be pathogenic (PMID: 11030752, 11317355, 37972748). This variant is present in population databases (rs755042147, gnomAD 0.002%). This premature translational stop signal has been observed in individual(s) with mucolipidosis type IV (PMID: 18326692). ClinVar contains an entry for this variant (Variation ID: 208039). Algorithms developed to predict the effect of sequence changes on RNA splicing suggest that this variant may disrupt the consensus splice site. For these reasons, this variant has been classified as Pathogenic.

Natera, Inc.
Classification: Pathogenic for Mucolipidosis type IV. Last evaluated: 2025-04-22. Review status: criteria provided, single submitter. Criteria: Natera Variant Classification Schema (03/2026). Collection method: clinical testing. Allele origin: germline.
Comment: The c.920delT variant in MCOLN1 is a frameshift variant predicted to shift the reading frame beginning at codon 307 and leads to a stop codon 65 codons downstream. This variant is expected to result in nonsense mediated decay, truncation, or a dysfunctional protein product. This variant is rare in the general population with a frequency below the threshold expected for the associated phenotype(s). This variant has been observed in one or more individuals affected with the associated recessive disease, as either homozygous or compound heterozygous with a second variant (PMID: 18326692). Given the available evidence, this variant is classified as Pathogenic.

Laboratory of Genetics, Children's Clinical University Hospital Latvia
Classification: Pathogenic. Last evaluated: 2025-02-16. Review status: criteria provided, single submitter. Criteria: ACMG Guidelines, 2015. Collection method: clinical testing. Allele origin: germline. Affected: yes.

Blueprint Genetics
Classification: Likely pathogenic for MCOLN1-related disorders. Last evaluated: 2024-10-03. Review status: criteria provided, single submitter. Criteria: ACMG Guidelines, 2015. Collection method: clinical testing. Allele origin: germline. Affected: yes. Observed: 4 variant alleles.

Fulgent Genetics
Classification: Pathogenic for Mucolipidosis type IV; Lisch epithelial corneal dystrophy. Last evaluated: 2024-04-08. Review status: criteria provided, single submitter. Criteria: ACMG Guidelines, 2015. Collection method: clinical testing. Allele origin: germline.

Ambry Genetics
Classification: Pathogenic for Inborn genetic diseases. Last evaluated: 2023-12-04. Review status: criteria provided, single submitter. Criteria: Ambry Variant Classification Scheme 2023. Collection method: clinical testing. Allele origin: germline.
Comment: The c.920delT (p.L307Pfs*65) alteration, located in exon 8 (coding exon 8) of the MCOLN1 gene, consists of a deletion of one nucleotide at position 920, causing a translational frameshift with a predicted alternate stop codon after 65 amino acids. This alteration is expected to result in loss of function by premature protein truncation or nonsense-mediated mRNA decay. Based on data from gnomAD, the c.920delT allele has an overall frequency of 0.001% (4/282790) total alleles studied. The highest observed frequency was 0.003% (4/129108) of European (non-Finnish) alleles. This variant has been reported compound heterozygous in one individual with features consistent with Mucolipidosis IV (Goldin, 2008). Based on the available evidence, this alteration is classified as pathogenic.

Women's Health and Genetics/Laboratory Corporation of America, LabCorp
Classification: Pathogenic for Mucolipidosis type IV. Last evaluated: 2020-07-30. Review status: criteria provided, single submitter. Criteria: LabCorp Variant Classification Summary - May 2015. Collection method: clinical testing. Allele origin: germline.
Comment: Variant summary: MCOLN1 c.920delT (p.Leu307ProfsX65) results in a premature termination codon, predicted to cause a truncation of the encoded protein or absence of the protein due to nonsense mediated decay, which are commonly known mechanisms for disease. Truncations downstream of this position have been classified as pathogenic by our laboratory. The variant allele was found at a frequency of 8e-06 in 251390 control chromosomes (gnomAD). c.920delT has been reported in the literature in one individual affected with Mucolipidosis Type 4 (Goldin_2008). These data indicate that the variant may be associated with disease. Three ClinVar submitters (evaluation after 2014) cite the variant as pathogenic (2x) and likely pathogenic (1x). Based on the evidence outlined above, the variant was classified as pathogenic.

Counsyl
Classification: Likely pathogenic for Mucolipidosis type IV. Last evaluated: 2016-01-12. Review status: no assertion criteria provided. Collection method: clinical testing. Allele origin: unknown. Not counted in ClinVar's aggregate classification.

Literature cited by the submitters: PubMed 11030752 (cited by Labcorp Genetics (formerly Invitae), Labcorp); PubMed 11317355 (cited by Labcorp Genetics (formerly Invitae), Labcorp); PubMed 37972748 (cited by Labcorp Genetics (formerly Invitae), Labcorp); PubMed 18326692 (cited by 4 submitters).